The following is an entry in ClinVar:

ClinVar aggregate classification (germline): Uncertain significance. Review status: criteria provided, multiple submitters, no conflicts (2 of 4 stars). 2 submissions from 2 submitters: Uncertain significance (2). Last evaluated 2024-10-17.

Conditions:
Cerebral creatine deficiency syndrome. Also called: Creatine deficiency syndromes. Identifiers: Orphanet 79172, MedGen C5244016, MONDO:0000456.

Submissions (2):

Labcorp Genetics (formerly Invitae), Labcorp
Classification: Uncertain significance for Cerebral creatine deficiency syndrome. Last evaluated: 2024-10-17. Review status: criteria provided, single submitter. Criteria: Invitae Variant Classification Sherloc (09022015). Collection method: clinical testing. Allele origin: germline.
Comment: This sequence change replaces valine, which is neutral and non-polar, with leucine, which is neutral and non-polar, at codon 211 of the GAMT protein (p.Val211Leu). This variant is not present in population databases (gnomAD no frequency). This variant has not been reported in the literature in individuals affected with GAMT-related conditions. ClinVar contains an entry for this variant (Variation ID: 1466081). Invitae Evidence Modeling of protein sequence and biophysical properties (such as structural, functional, and spatial information, amino acid conservation, physicochemical variation, residue mobility, and thermodynamic stability) indicates that this missense variant is not expected to disrupt GAMT protein function with a negative predictive value of 95%. In summary, the available evidence is currently insufficient to determine the role of this variant in disease. Therefore, it has been classified as a Variant of Uncertain Significance.

Blueprint Genetics
Classification: Uncertain significance. Last evaluated: 2020-03-11. Review status: criteria provided, single submitter. Criteria: ACMG Guidelines, 2015. Collection method: clinical testing. Allele origin: germline.

NM_000156.6(GAMT):c.631G>C (p.Val211Leu)

Gene: GAMT (guanidinoacetate N-methyltransferase; minus strand). Cytogenetic location: 19p13.3.
Variant type: single nucleotide variant.
Coding change: c.631G>C on transcript NM_000156.6 (MANE Select); coding-DNA position 631, G replaced by C.
Protein change: p.Val211Leu; replaces valine 211 with leucine.
Molecular consequence: missense variant.
Genome position (GRCh38, 1-based): chr19:1,397,439, C>G on the plus strand (G>C on the coding strand, the complement: GAMT is on the minus strand). VCF-style: chr19-1397439-C-G. GRCh37 (hg19) VCF-style: chr19-1397438-C-G.
Other names: short protein forms V211L.
Identifiers: ClinVar variation 1466081 (VCV001466081.9), dbSNP rs2144633525, ClinGen allele CA402990725.